The following is an entry in ClinVar:

ClinVar aggregate classification (germline): Likely benign. Review status: criteria provided, multiple submitters, no conflicts (2 of 4 stars). 2 submissions from 2 submitters: Likely benign (2). Last evaluated 2025-07-14.

Conditions:
Charcot-Marie-Tooth disease axonal type 2P. Also called: CHARCOT-MARIE-TOOTH DISEASE, AXONAL, TYPE 2G; CMT 2G; CHARCOT-MARIE-TOOTH NEUROPATHY, TYPE 2P; Charcot-Marie-Tooth Neuropathy Type 2G. Identifiers: Orphanet 300319, Orphanet 99941, MedGen C3280797, MONDO:0013753, OMIM 614436.

Allele frequency attached by ClinVar (database versions not stated): TOPMed below 0.00001; gnomAD 0.00001; ExAC 0.00002; gnomAD exomes 0.00002.
gnomAD v4.1: 28 of 1,614,122 alleles (0.0017%); highest among the groups gnomAD compares: East Asian, 0.016%; no homozygotes.

Submissions (2):

Labcorp Genetics (formerly Invitae), Labcorp
Classification: Likely benign for Charcot-Marie-Tooth disease axonal type 2P. Last evaluated: 2025-07-14. Review status: criteria provided, single submitter. Criteria: Invitae Variant Classification Sherloc (09022015). Collection method: clinical testing. Allele origin: germline.

GeneDx
Classification: Likely benign. Last evaluated: 2017-10-20. Review status: criteria provided, single submitter. Criteria: GeneDx Variant Classification (06012015). Collection method: clinical testing. Allele origin: germline. Affected: yes.
Comment: This variant is considered likely benign or benign based on one or more of the following criteria: it is a conservative change, it occurs at a poorly conserved position in the protein, it is predicted to be benign by multiple in silico algorithms, and/or has population frequency not consistent with disease.

NM_001005373.4(LRSAM1):c.1043+18G>A

Gene: LRSAM1 (leucine rich repeat and sterile alpha motif containing 1; plus strand). Cytogenetic location: 9q33.3.
Variant type: single nucleotide variant.
Coding change: c.1043+18G>A on transcript NM_001005373.4 (MANE Select); 18 bases into the intron after coding-DNA position 1043, G replaced by A.
Molecular consequence: intron variant.
Genome position (GRCh38, 1-based): chr9:127,479,996, G>A. VCF-style: chr9-127479996-G-A. GRCh37 (hg19) VCF-style: chr9-130242275-G-A.
Other names: c.1043+18G>A (NM_138361.5, NM_001384142.1, NM_001384143.1 and 2 more transcripts); c.254+18G>A (NM_001384144.1).
Identifiers: ClinVar variation 512875 (VCV000512875.5), dbSNP rs775108432, ClinGen allele CA5246797.
Genomic context (GRCh38, chr9:127,479,996, plus strand): 5'-ACATTTCCAGCCGGATCCAGAAGCTGCTGCAGGACAATCAGAGGTTGGGCTCTGCTCCTC[G>A]GCCCCAGCCCCAGAGTCCTTCCCCGTGCAGTCCCCTGAGGAGCCGGGAGGAGTGTGTTTC-3'